The following is an entry in ClinVar:

ClinVar aggregate classification (germline): Uncertain significance (1 of 4 stars; one submission).

Conditions:
Cardiovascular phenotype. Identifiers: MedGen CN230736.

gnomAD v4.1: 2 of 1,546,136 alleles (0.00013%); highest among the groups gnomAD compares: African/African-American, 0.0028%; no homozygotes.

Submission:

Ambry Genetics
Classification: Uncertain significance for Cardiovascular phenotype. Last evaluated: 2025-05-14. Review status: criteria provided, single submitter. Criteria: Ambry Variant Classification Scheme 2023. Collection method: clinical testing. Allele origin: germline.
Comment: The p.I46V variant (also known as c.136A>G), located in coding exon 1 of the LOX gene, results from an A to G substitution at nucleotide position 136. The isoleucine at codon 46 is replaced by valine, an amino acid with highly similar properties. This amino acid position is conserved. In addition, this alteration is predicted to be tolerated by in silico analysis. Based on the available evidence, the clinical significance of this variant remains unclear.

NM_002317.7(LOX):c.136A>G (p.Ile46Val)

Genes: LOX (lysyl oxidase; minus strand), SRFBP1 (serum response factor binding protein 1; plus strand). Cytogenetic location: 5q23.1.
Variant type: single nucleotide variant.
Coding change: c.136A>G on transcript NM_002317.7 (MANE Select); coding-DNA position 136, A replaced by G.
Protein change: p.Ile46Val; replaces isoleucine 46 with valine.
Molecular consequence: missense variant.
Genome position (GRCh38, 1-based): chr5:122,077,850, T>C on the plus strand (A>G on the coding strand, the complement: LOX is on the minus strand). VCF-style: chr5-122077850-T-C. GRCh37 (hg19) VCF-style: chr5-121413545-T-C.
Other names: short protein forms I46V.
Identifiers: ClinVar variation 4048012 (VCV004048012.1).